The following is an entry in ClinVar:

ClinVar aggregate classification (germline): Uncertain significance (1 of 4 stars; one submission).

Submission:

Labcorp Genetics (formerly Invitae), Labcorp
Classification: Uncertain significance. Last evaluated: 2024-07-25. Review status: criteria provided, single submitter. Criteria: Invitae Variant Classification Sherloc (09022015). Collection method: clinical testing. Allele origin: germline.
Comment: This sequence change replaces lysine, which is basic and polar, with arginine, which is basic and polar, at codon 24 of the FAR1 protein (p.Lys24Arg). This variant is not present in population databases (gnomAD no frequency). This variant has not been reported in the literature in individuals affected with FAR1-related conditions. Advanced modeling of protein sequence and biophysical properties (such as structural, functional, and spatial information, amino acid conservation, physicochemical variation, residue mobility, and thermodynamic stability) performed at Invitae indicates that this missense variant is not expected to disrupt FAR1 protein function with a negative predictive value of 80%. In summary, the available evidence is currently insufficient to determine the role of this variant in disease. Therefore, it has been classified as a Variant of Uncertain Significance.

NM_032228.6(FAR1):c.71A>G (p.Lys24Arg)

Gene: FAR1 (fatty acyl-CoA reductase 1; plus strand). Cytogenetic location: 11p15.3.
Variant type: single nucleotide variant.
Coding change: c.71A>G on transcript NM_032228.6 (MANE Select); coding-DNA position 71, A replaced by G.
Protein change: p.Lys24Arg; replaces lysine 24 with arginine.
Molecular consequence: missense variant.
Genome position (GRCh38, 1-based): chr11:13,694,836, A>G. VCF-style: chr11-13694836-A-G. GRCh37 (hg19) VCF-style: chr11-13716383-A-G.
Other names: short protein forms K24R.
Identifiers: ClinVar variation 3660576 (VCV003660576.2).